The following is an entry in ClinVar:

NM_015215.4(CAMTA1):c.3108C>A (p.Ser1036Arg)

Gene: CAMTA1 (calmodulin binding transcription activator 1; plus strand). Cytogenetic location: 1p36.23.
Variant type: single nucleotide variant.
Coding change: c.3108C>A on transcript NM_015215.4 (MANE Select); coding-DNA position 3108, C replaced by A.
Protein change: p.Ser1036Arg; replaces serine 1036 with arginine.
Molecular consequence: missense variant.
Genome position (GRCh38, 1-based): chr1:7,736,385, C>A. VCF-style: chr1-7736385-C-A. GRCh37 (hg19) VCF-style: chr1-7796445-C-A.
Other names: c.3108C>A (NM_015215.3); c.3018C>A, p.Ser1006Arg (NM_001349608.2, NM_001349612.2); c.3108C>A, p.Ser1036Arg (NM_001349609.2, NM_001349610.2, NM_001410737.1); c.237C>A, p.Ser79Arg (NM_001349613.1); c.180C>A, p.Ser60Arg (NM_001349614.1, NM_001349615.2, NM_001349616.2 and 10 more transcripts); c.3036C>A, p.Ser1012Arg (NM_001410738.1); short protein forms S60R, S1006R, S1012R, S1036R, S79R.
Identifiers: ClinVar variation 3484607 (VCV003484607.2).
Genomic context (GRCh38, chr1:7,736,385, plus strand): 5'-GTGCGCTTTTTTGTGACAGTGTGCTTCTGGGACTGGGGCCTTGGGGAGCTGCTTTGAGAG[C>A]CGTGTGGTCGTGGTATGCGAGAAGATGATGAGCCGAGCCTGCTGGGCGAAGTCCAAGCAC-3'
Protein context (NP_056030.1, residues 1026-1046): GTGALGSCFE[Ser1036Arg]RVVVVCEKMM

ClinVar aggregate classification (germline): Uncertain significance. Review status: criteria provided, multiple submitters, no conflicts (2 of 4 stars). 2 submissions from 2 submitters: Uncertain significance (2). Last evaluated 2025-03-16.

Conditions:
Inborn genetic diseases. Identifiers: MedGen C0950123, MeSH D030342.

gnomAD v4.1: 1 of 1,614,108 alleles (0.000062%); highest among the groups gnomAD compares: Admixed American, 0.0017%; no homozygotes.

Submissions (2):

GeneDx
Classification: Uncertain significance. Last evaluated: 2025-03-16. Review status: criteria provided, single submitter. Criteria: GeneDx Variant Classification Process June 2021. Collection method: clinical testing. Allele origin: germline. Affected: yes.
Comment: Not observed at significant frequency in large population cohorts (gnomAD); In silico analysis supports that this missense variant has a deleterious effect on protein structure/function; Has not been previously published as pathogenic or benign to our knowledge

Ambry Genetics
Classification: Uncertain significance for Inborn genetic diseases. Last evaluated: 2024-08-05. Review status: criteria provided, single submitter. Criteria: Ambry Variant Classification Scheme 2023. Collection method: clinical testing. Allele origin: germline.